The following is an entry in ClinVar:

ClinVar aggregate classification (germline): Conflicting classifications of pathogenicity. Review status: criteria provided, conflicting classifications (1 of 4 stars). 2 submissions from 2 submitters: Pathogenic (1); Uncertain significance (1). Last evaluated 2025-06-04.

Conditions:
F9-related disorder. Also called: F9-related condition.
Hereditary factor IX deficiency disease (HEMB). Also called: Christmas Disease; F9 DEFICIENCY; FACTOR IX DEFICIENCY; PLASMA THROMBOPLASTIN COMPONENT DEFICIENCY; Hemophilia B. Identifiers: Orphanet 98879, MedGen C0008533, MeSH D002836, MONDO:0010604, OMIM 306900.

Submissions (2):

Women's Health and Genetics/Laboratory Corporation of America, LabCorp
Classification: Pathogenic for Hereditary factor IX deficiency disease. Last evaluated: 2025-06-04. Review status: criteria provided, single submitter. Criteria: LabCorp Variant Classification Summary - May 2015. Collection method: clinical testing. Allele origin: germline.
Comment: Variant summary: F9 c.1070G>T (p.Gly357Val), also reported as Gly311Val, results in a non-conservative amino acid change in the encoded protein sequence. Algorithms developed to predict the effect of missense changes on protein structure and function all suggest that this variant is likely to be disruptive. The variant was absent in 183181 control chromosomes. c.1070G>T has been observed in individual(s) affected with Factor IX Deficiency (Hemophilia B) (example Saad_1994). Further, additional variants at this codon have been determined to be likely pathogenic/pathogenic by our laboratory (p.Gly357Arg and p.Gly357Glu), supporting the critical relevance of codon 357 for F9 protein function. At least one publication reports experimental evidence evaluating an impact on protein function in patient derived samples. The most pronounced variant effect results in <10% of normal coagulation activity (example Saad_1994). The following publication has been ascertained in the context of this evaluation (PMID: 8091381). No submitters have cited clinical-significance assessments for this variant to ClinVar. Based on the evidence outlined above, the variant was classified as pathogenic.

PreventionGenetics, part of Exact Sciences
Classification: Uncertain significance for F9-related condition. Last evaluated: 2025-04-03. Review status: criteria provided, single submitter. Criteria: ACMG Guidelines, 2015. Collection method: clinical testing. Allele origin: germline.
Comment: The F9 c.1070G>T variant is predicted to result in the amino acid substitution p.Gly357Val. This variant was reported in an individual with hemophilia B (reported as p.Gly311Val in Giannelli et al. 1994. PubMed ID: 7937052). This variant has not been reported in a large population database (gnomAD), indicating this variant is rare. At this time, the clinical significance of this variant is uncertain due to the absence of conclusive functional and genetic evidence.

Literature cited by the submitters: PubMed 8091381 (cited by Women's Health and Genetics/Laboratory Corporation of America, LabCorp).

NM_000133.4(F9):c.1070G>T (p.Gly357Val)

Gene: F9 (coagulation factor IX; plus strand). Cytogenetic location: Xq27.1.
Variant type: single nucleotide variant.
Coding change: c.1070G>T on transcript NM_000133.4 (MANE Select); coding-DNA position 1070, G replaced by T.
Protein change: p.Gly357Val; replaces glycine 357 with valine.
Molecular consequence: missense variant.
Genome position (GRCh38, 1-based): chrX:139,561,755, G>T. VCF-style: chrX-139561755-G-T. GRCh37 (hg19) VCF-style: chrX-138643914-G-T.
Other names: c.956G>T, p.Gly319Val (NM_001313913.2); short protein forms G319V, G357V.
Identifiers: ClinVar variation 3907396 (VCV003907396.2).
Genomic context (GRCh38, chrX:139,561,755, plus strand): 5'-CTGACAAGGAATACACGAACATCTTCCTCAAATTTGGATCTGGCTATGTAAGTGGCTGGG[G>T]AAGAGTCTTCCACAAAGGGAGATCAGCTTTAGTTCTTCAGTACCTTAGAGTTCCACTTGT-3'
Protein context (NP_000124.1, residues 347-367): KFGSGYVSGW[Gly357Val]RVFHKGRSAL